The following is an entry in ClinVar:

NM_006648.4(WNK2):c.5401G>T (p.Val1801Leu)

Gene: WNK2 (WNK lysine deficient protein kinase 2; plus strand). Cytogenetic location: 9q22.31.
Variant type: single nucleotide variant.
Coding change: c.5401G>T on transcript NM_006648.4 (MANE Select); coding-DNA position 5401, G replaced by T.
Protein change: p.Val1801Leu; replaces valine 1801 with leucine.
Molecular consequence: missense variant.
Genome position (GRCh38, 1-based): chr9:93,292,866, G>T. VCF-style: chr9-93292866-G-T. GRCh37 (hg19) VCF-style: chr9-96055148-G-T.
Other names: c.5512G>T, p.Val1838Leu (NM_001282394.3); short protein forms V1838L, V1801L.
Identifiers: ClinVar variation 3981817 (VCV003981817.1).

ClinVar aggregate classification (germline): Uncertain significance (1 of 4 stars; one submission).

gnomAD v4.1: 10 of 1,496,964 alleles (0.00067%); highest among the groups gnomAD compares: South Asian, 0.013%; no homozygotes.

Submission:

Ambry Genetics
Classification: Uncertain significance. Last evaluated: 2025-04-06. Review status: criteria provided, single submitter. Criteria: Ambry Variant Classification Scheme 2023. Collection method: clinical testing. Allele origin: germline.
Comment: The p.V1801L variant (also known as c.5401G>T), located in coding exon 22 of the WNK2 gene, results from a G to T substitution at nucleotide position 5401. The valine at codon 1801 is replaced by leucine, an amino acid with highly similar properties. This amino acid position is conserved. In addition, this alteration is predicted to be tolerated by in silico analysis. Based on the available evidence, the clinical significance of this variant remains unclear.